The following is an entry in ClinVar:

ClinVar aggregate classification (germline): Likely benign (1 of 4 stars; one submission).

gnomAD v4.1: 149 of 1,612,678 alleles (0.0092%); highest among the groups gnomAD compares: Non-Finnish European, 0.011%; no homozygotes.

Submission:

CeGaT Center for Human Genetics Tuebingen
Classification: Likely benign. Last evaluated: 2026-02-01. Review status: criteria provided, single submitter. Criteria: CeGaT Center For Human Genetics Tuebingen Variant Classification Criteria Version 2. Collection method: clinical testing. Allele origin: germline. Affected: yes. Observed: 1 variant allele.
Comment: BAX: BP4, BP7

NM_138761.4(BAX):c.474+48C>T

Gene: BAX (BCL2 associated X, apoptosis regulator; plus strand). Cytogenetic location: 19q13.33.
Variant type: single nucleotide variant.
Coding change: c.474+48C>T on transcript NM_138761.4 (MANE Select); 48 bases into the intron after coding-DNA position 474, C replaced by T.
Molecular consequence: intron variant. On other transcripts: synonymous variant (3).
Genome position (GRCh38, 1-based): chr19:48,960,962, C>T. VCF-style: chr19-48960962-C-T. GRCh37 (hg19) VCF-style: chr19-49464219-C-T.
Other names: c.411C>T, p.Thr137= (NM_001291429.2); c.288C>T, p.Thr96= (NM_001291430.2); c.522C>T, p.Thr174= (NM_004324.4); c.474+48C>T (NM_001291428.2, NM_138764.5); c.327+48C>T (NM_138763.4); c.240+48C>T (NM_001291431.2).
Identifiers: ClinVar variation 4821444 (VCV004821444.4).
Genomic context (GRCh38, chr19:48,960,962, plus strand): 5'-CCAGGGTGGTTGGGTGAGACTCCTCAAGCCTCCTCACCCCCACCACCGCGCCCTCACCAC[C>T]GCCCCTGCCCCACCGTCCCTGCCCCCCGCCACTCCTCTGGGACCCTGGGCCTTCTGGAGC-3'